The following is an entry in ClinVar:

ClinVar aggregate classification (germline): Uncertain significance (1 of 4 stars; one submission).

gnomAD v4.1: 8 of 1,613,622 alleles (0.0005%); highest among the groups gnomAD compares: Admixed American, 0.0017%; no homozygotes.

Submission:

Women's Health and Genetics/Laboratory Corporation of America, LabCorp
Classification: Uncertain significance. Last evaluated: 2024-11-18. Review status: criteria provided, single submitter. Criteria: LabCorp Variant Classification Summary - May 2015. Collection method: clinical testing. Allele origin: germline.
Comment: Variant summary: KARS1 c.1778A>G (p.Lys593Arg) results in a conservative amino acid change in the encoded protein sequence. Four of five in-silico tools predict a benign effect of the variant on protein function. Several computational tools predict a significant impact on normal splicing: One predict the variant no significant impact on splicing. Three predict the variant weakens a 5' donor site. However, these predictions have yet to be confirmed by functional studies. The variant allele was found at a frequency of 8e-06 in 251384 control chromosomes. The available data on variant occurrences in the general population are insufficient to allow any conclusion about variant significance. To our knowledge, no occurrence of c.1778A>G in individuals affected with Leukoencephalopathy, progressive, infantile-onset, with or without deafness and no experimental evidence demonstrating its impact on protein function have been reported. No submitters have cited clinical-significance assessments for this variant to ClinVar. Based on the evidence outlined above, the variant was classified as uncertain significance.

NM_005548.3(KARS1):c.1694A>G (p.Lys565Arg)

Gene: KARS1 (lysyl-tRNA synthetase 1; minus strand). Cytogenetic location: 16q23.1.
Variant type: single nucleotide variant.
Coding change: c.1694A>G on transcript NM_005548.3 (MANE Select); coding-DNA position 1694, A replaced by G.
Protein change: p.Lys565Arg; replaces lysine 565 with arginine.
Molecular consequence: missense variant.
Genome position (GRCh38, 1-based): chr16:75,628,570, T>C on the plus strand (A>G on the coding strand, the complement: KARS1 is on the minus strand). VCF-style: chr16-75628570-T-C. GRCh37 (hg19) VCF-style: chr16-75662468-T-C.
Other names: c.1778A>G, p.Lys593Arg (NM_001130089.2); c.1226A>G, p.Lys409Arg (NM_001378148.1); short protein forms K409R, K565R, K593R.
Identifiers: ClinVar variation 3630031 (VCV003630031.1).